The following is an entry in ClinVar:

NM_032802.4(SPPL2A):c.1347A>G (p.Ile449Met)

Gene: SPPL2A (signal peptide peptidase like 2A; minus strand). Cytogenetic location: 15q21.2.
Variant type: single nucleotide variant.
Coding change: c.1347A>G on transcript NM_032802.4 (MANE Select); coding-DNA position 1347, A replaced by G.
Protein change: p.Ile449Met; replaces isoleucine 449 with methionine.
Molecular consequence: missense variant.
Genome position (GRCh38, 1-based): chr15:50,720,081, T>C on the plus strand (A>G on the coding strand, the complement: SPPL2A is on the minus strand). VCF-style: chr15-50720081-T-C. GRCh37 (hg19) VCF-style: chr15-51012278-T-C.
Other names: short protein forms I449M.
Identifiers: ClinVar variation 1391270 (VCV001391270.8), dbSNP rs926490151, ClinGen allele CA270502036.

ClinVar aggregate classification (germline): Uncertain significance (1 of 4 stars; one submission).

Allele frequency attached by ClinVar (database versions not stated): gnomAD 0.00001; gnomAD exomes 0.00001 and 0.00003.
gnomAD v4.1: 47 of 1,612,248 alleles (0.0029%); highest among the groups gnomAD compares: Non-Finnish European, 0.0039%; no homozygotes.

Submission:

Labcorp Genetics (formerly Invitae), Labcorp
Classification: Uncertain significance. Last evaluated: 2025-03-23. Review status: criteria provided, single submitter. Criteria: Invitae Variant Classification Sherloc (09022015). Collection method: clinical testing. Allele origin: germline.
Comment: This sequence change replaces isoleucine, which is neutral and non-polar, with methionine, which is neutral and non-polar, at codon 449 of the SPPL2A protein (p.Ile449Met). This variant is present in population databases (no rsID available, gnomAD 0.004%). This variant has not been reported in the literature in individuals affected with SPPL2A-related conditions. ClinVar contains an entry for this variant (Variation ID: 1391270). An algorithm developed to predict the effect of missense changes on protein structure and function (PolyPhen-2) suggests that this variant is likely to be tolerated. In summary, the available evidence is currently insufficient to determine the role of this variant in disease. Therefore, it has been classified as a Variant of Uncertain Significance.